The following is an entry in ClinVar:

ClinVar aggregate classification (germline): Uncertain significance (1 of 4 stars; one submission).

Conditions:
Inborn genetic diseases. Identifiers: MedGen C0950123, MeSH D030342.

Allele frequency attached by ClinVar (database versions not stated): gnomAD exomes below 0.00001.
gnomAD v4.1: 1 of 1,603,184 alleles (0.000062%); highest among the groups gnomAD compares: Non-Finnish European, 0.000085%; no homozygotes.

Submission:

Ambry Genetics
Classification: Uncertain significance for Inborn genetic diseases. Last evaluated: 2022-09-23. Review status: criteria provided, single submitter. Criteria: Ambry Variant Classification Scheme 2023. Collection method: clinical testing. Allele origin: germline.
Comment: The c.1103C>T (p.A368V) alteration is located in exon 13 (coding exon 12) of the AP1G1 gene. This alteration results from a C to T substitution at nucleotide position 1103, causing the alanine (A) at amino acid position 368 to be replaced by a valine (V). This variant was not reported in population-based cohorts in the Genome Aggregation Database (gnomAD). This amino acid position is highly conserved in available vertebrate species. The in silico prediction for this alteration is inconclusive. Based on insufficient or conflicting evidence, the clinical significance of this alteration remains unclear.

NM_001128.6(AP1G1):c.1094C>T (p.Ala365Val)

Gene: AP1G1 (adaptor related protein complex 1 subunit gamma 1; minus strand). Cytogenetic location: 16q22.2.
Variant type: single nucleotide variant.
Coding change: c.1094C>T on transcript NM_001128.6 (MANE Select); coding-DNA position 1094, C replaced by T.
Protein change: p.Ala365Val; replaces alanine 365 with valine.
Molecular consequence: missense variant.
Genome position (GRCh38, 1-based): chr16:71,756,154, G>A on the plus strand (C>T on the coding strand, the complement: AP1G1 is on the minus strand). VCF-style: chr16-71756154-G-A. GRCh37 (hg19) VCF-style: chr16-71790057-G-A.
Other names: c.1103C>T, p.Ala368Val (NM_001030007.2); short protein forms A368V, A365V.
Identifiers: ClinVar variation 2212043 (VCV002212043.2), dbSNP rs2543542387, ClinGen allele CA396668580.